The following is an entry in ClinVar:

ClinVar aggregate classification (germline): Uncertain significance (1 of 4 stars; one submission).

Allele frequency attached by ClinVar (database versions not stated): TOPMed 0.00001; gnomAD 0.00001.

Submission:

Labcorp Genetics (formerly Invitae), Labcorp
Classification: Uncertain significance. Last evaluated: 2025-06-12. Review status: criteria provided, single submitter. Criteria: Invitae Variant Classification Sherloc (09022015). Collection method: clinical testing. Allele origin: germline.
Comment: This sequence change replaces glycine, which is neutral and non-polar, with aspartic acid, which is acidic and polar, at codon 3253 of the LAMA5 protein (p.Gly3253Asp). This variant is present in population databases (no rsID available, gnomAD 0.005%). This variant has not been reported in the literature in individuals affected with LAMA5-related conditions. ClinVar contains an entry for this variant (Variation ID: 2701688). An algorithm developed to predict the effect of missense changes on protein structure and function outputs the following: PolyPhen-2: "Benign". The aspartic acid amino acid residue is found in multiple mammalian species, which suggests that this missense change does not adversely affect protein function. In summary, the available evidence is currently insufficient to determine the role of this variant in disease. Therefore, it has been classified as a Variant of Uncertain Significance.

NM_005560.6(LAMA5):c.9758G>A (p.Gly3253Asp)

Gene: LAMA5 (laminin subunit alpha 5; minus strand). Cytogenetic location: 20q13.33.
Variant type: single nucleotide variant.
Coding change: c.9758G>A on transcript NM_005560.6 (MANE Select); coding-DNA position 9758, G replaced by A.
Protein change: p.Gly3253Asp; replaces glycine 3253 with aspartic acid.
Molecular consequence: missense variant.
Genome position (GRCh38, 1-based): chr20:62,311,662, C>T on the plus strand (G>A on the coding strand, the complement: LAMA5 is on the minus strand). VCF-style: chr20-62311662-C-T. GRCh37 (hg19) VCF-style: chr20-60886718-C-T.
Other names: short protein forms G3253D.
Identifiers: ClinVar variation 2701688 (VCV002701688.3), dbSNP rs749963758, ClinGen allele CA409539322.
Genomic context (GRCh38, chr20:62,311,662, plus strand): 5'-CACCAGGCTCACCGCTGCACGAAGACGTTGCTGATGCAGCCACTGAAGTTGTAAATGGTG[C>T]CAGACTCAGGCAGGCCTCCCAGGAGGAGCCTCGGGGGCCCCTCAGGCTGCGGCTGGAGCT-3'
Protein context (NP_005551.3, residues 3243-3263): RLLLGGLPES[Gly3253Asp]TIYNFSGCIS